The following is an entry in ClinVar:

NM_001040142.2(SCN2A):c.2821G>A (p.Gly941Arg)

Gene: SCN2A (sodium voltage-gated channel alpha subunit 2; plus strand). Cytogenetic location: 2q24.3.
Variant type: single nucleotide variant.
Coding change: c.2821G>A on transcript NM_001040142.2 (MANE Select); coding-DNA position 2821, G replaced by A.
Protein change: p.Gly941Arg; replaces glycine 941 with arginine.
Molecular consequence: missense variant.
Genome position (GRCh38, 1-based): chr2:165,344,813, G>A. VCF-style: chr2-165344813-G-A. GRCh37 (hg19) VCF-style: chr2-166201323-G-A.
Other names: c.2821G>A, p.Gly941Arg (NM_001040143.2, NM_001371246.1, NM_001371247.1 and 1 more transcripts); short protein forms G941R.
Identifiers: ClinVar variation 2096676 (VCV002096676.4), dbSNP rs1553579498, ClinGen allele CA349015844.

ClinVar aggregate classification (germline): Uncertain significance (1 of 4 stars; one submission).

Conditions:
Developmental and epileptic encephalopathy, 11 (DEE11). Also called: Early infantile epileptic encephalopathy 11. Identifiers: Orphanet 1934, MedGen C3150987, MONDO:0013388, OMIM 613721.
Seizures, benign familial infantile, 3 (BFIS3). Also called: CONVULSIONS, BENIGN FAMILIAL INFANTILE, 3; Familial neonatal seizures. Identifiers: Orphanet 140927, Orphanet 306, MedGen C1843140, MONDO:0011904, OMIM 607745.

Submission:

Labcorp Genetics (formerly Invitae), Labcorp
Classification: Uncertain significance for Seizures, benign familial infantile, 3; Developmental and epileptic encephalopathy, 11. Last evaluated: 2022-02-11. Review status: criteria provided, single submitter. Criteria: Invitae Variant Classification Sherloc (09022015). Collection method: clinical testing. Allele origin: germline.
Comment: In summary, the available evidence is currently insufficient to determine the role of this variant in disease. Therefore, it has been classified as a Variant of Uncertain Significance. Algorithms developed to predict the effect of sequence changes on RNA splicing suggest that this variant may create or strengthen a splice site. Algorithms developed to predict the effect of missense changes on protein structure and function are either unavailable or do not agree on the potential impact of this missense change (SIFT: "Deleterious"; PolyPhen-2: "Probably Damaging"; Align-GVGD: "Class C15"). This variant has not been reported in the literature in individuals affected with SCN2A-related conditions. This variant is not present in population databases (gnomAD no frequency). This sequence change replaces glycine, which is neutral and non-polar, with arginine, which is basic and polar, at codon 941 of the SCN2A protein (p.Gly941Arg).